The following is an entry in ClinVar:

NM_000531.6(OTC):c.773A>G (p.Asn258Ser)

Gene: OTC (ornithine transcarbamylase; plus strand). Cytogenetic location: Xp11.4.
Variant type: single nucleotide variant.
Coding change: c.773A>G on transcript NM_000531.6 (MANE Select); coding-DNA position 773, A replaced by G.
Protein change: p.Asn258Ser; replaces asparagine 258 with serine.
Molecular consequence: missense variant.
Genome position (GRCh38, 1-based): chrX:38,408,931, A>G. VCF-style: chrX-38408931-A-G. GRCh37 (hg19) VCF-style: chrX-38268184-A-G.
Other names: c.773A>G, p.Asn258Ser (NM_001407092.1); short protein forms N258S.
Identifiers: ClinVar variation 3071802 (VCV003071802.2), dbSNP rs142592280, ClinGen allele CA10385940.

ClinVar aggregate classification (germline): Uncertain significance. Review status: criteria provided, multiple submitters, no conflicts (2 of 4 stars). 2 submissions from 2 submitters: Uncertain significance (2). Last evaluated 2024-05-30.

Conditions:
Ornithine carbamoyltransferase deficiency (OTCD). Also called: ORNITHINE TRANSCARBAMYLASE DEFICIENCY; ORNITHINE TRANSCARBAMYLASE DEFICIENCY, HYPERAMMONEMIA DUE TO; OTC DEFICIENCY; Ornithine Carbamoyltransferase Deficiency Disease. Identifiers: Orphanet 664, MedGen C0268542, MONDO:0010703, OMIM 311250.

Allele frequency attached by ClinVar (database versions not stated): gnomAD exomes below 0.00001; TOPMed below 0.00001; ExAC 0.00001; gnomAD 0.00001; ESP Exome Variant Server 0.00009.
gnomAD v4.1: 5 of 1,102,834 alleles (0.00045%); highest among the groups gnomAD compares: Non-Finnish European, 0.00048%; no homozygotes.

Submissions (2):

Color Diagnostics, LLC DBA Color Health
Classification: Uncertain significance for Ornithine carbamoyltransferase deficiency. Last evaluated: 2024-05-30. Review status: criteria provided, single submitter. Criteria: ACMG Guidelines, 2015. Collection method: clinical testing. Allele origin: germline.
Comment: This missense variant replaces asparagine with serine at codon 258 of the OTC protein. Computational prediction suggests that this variant may have deleterious impact on protein structure and function. To our knowledge, functional studies have not been reported for this variant. This variant has not been reported in individuals affected with OTC-related disorders in the literature. This variant has been identified in 1/183218 chromosomes in the general population by the Genome Aggregation Database (gnomAD). The available evidence is insufficient to determine the role of this variant in disease conclusively. Therefore, this variant is classified as a Variant of Uncertain Significance.

All of Us Research Program, National Institutes of Health
Classification: Uncertain significance for Ornithine carbamoyltransferase deficiency. Last evaluated: 2023-09-18. Review status: criteria provided, single submitter. Criteria: ACMG Guidelines, 2015. Collection method: clinical testing. Allele origin: germline. Inheritance: X-linked inheritance. Observed: 3 variant alleles, 2 heterozygotes, 1 homozygote.
Comment: This missense variant replaces asparagine with serine at codon 258 of the OTC protein. Computational prediction suggests that this variant may have deleterious impact on protein structure and function (internally defined REVEL score threshold >= 0.7, PMID: 27666373). To our knowledge, functional studies have not been reported for this variant. This variant has not been reported in individuals affected with OTC-related disorders in the literature. This variant has been identified in 1/183218 chromosomes in the general population by the Genome Aggregation Database (gnomAD). The available evidence is insufficient to determine the role of this variant in disease conclusively. Therefore, this variant is classified as a Variant of Uncertain Significance.

This study involves interpretation of variants in research participants for the purpose of population health screening. Participant phenotype was not available at the time of variant classification. Additional details can be found in publication PMID: 35346344, PMCID: PMC8962531